The following is an entry in ClinVar:

NM_001128840.3(CACNA1D):c.4402G>A (p.Asp1468Asn)

Gene: CACNA1D (calcium voltage-gated channel subunit alpha1 D; plus strand). Cytogenetic location: 3p21.1.
Variant type: single nucleotide variant.
Coding change: c.4402G>A on transcript NM_001128840.3 (MANE Select); coding-DNA position 4402, G replaced by A.
Protein change: p.Asp1468Asn; replaces aspartic acid 1468 with asparagine.
Molecular consequence: missense variant.
Genome position (GRCh38, 1-based): chr3:53,776,642, G>A. VCF-style: chr3-53776642-G-A. GRCh37 (hg19) VCF-style: chr3-53810669-G-A.
Other names: c.4462G>A, p.Asp1488Asn (NM_000720.4); c.4357G>A, p.Asp1453Asn (NM_001128839.3); short protein forms D1453N, D1468N, D1488N.
Identifiers: ClinVar variation 4773351 (VCV004773351.3).

ClinVar aggregate classification (germline): Uncertain significance. Review status: criteria provided, multiple submitters, no conflicts (2 of 4 stars). 2 submissions from 2 submitters: Uncertain significance (2). Last evaluated 2026-03-29.

gnomAD v4.1: 3 of 1,614,082 alleles (0.00019%); highest among the groups gnomAD compares: Non-Finnish European, 0.00025%; no homozygotes.

Submissions (2):

Dasa
Classification: Uncertain significance. Last evaluated: 2026-03-29. Review status: criteria provided, single submitter. Criteria: DASA Assertion Criteria. Collection method: clinical testing. Allele origin: germline.
Comment: NM_001128840.3(CACNA1D):c.4402G>A (p.Asp1468Asn) is a missense variant that results in the substitution of aspartic acid with asparagine. This variant is rare in population databases. Computational prediction algorithms are consistent with a deleterious effect. The currently available literature and clinical evidence are not sufficient to establish a definitive association between this variant and the reported condition. Therefore, this variant is classified as a variant of uncertain significance.

Labcorp Genetics (formerly Invitae), Labcorp
Classification: Uncertain significance. Last evaluated: 2025-12-02. Review status: criteria provided, single submitter. Criteria: Invitae Variant Classification Sherloc (09022015). Collection method: clinical testing. Allele origin: germline.
Comment: This sequence change replaces aspartic acid, which is acidic and polar, with asparagine, which is neutral and polar, at codon 1488 of the CACNA1D protein (p.Asp1488Asn). This variant is not present in population databases (gnomAD no frequency). This variant has not been reported in the literature in individuals affected with CACNA1D-related conditions. Invitae Evidence Modeling of protein sequence and biophysical properties (such as structural, functional, and spatial information, amino acid conservation, physicochemical variation, residue mobility, and thermodynamic stability) indicates that this missense variant is expected to disrupt CACNA1D protein function with a positive predictive value of 80%. In summary, the available evidence is currently insufficient to determine the role of this variant in disease. Therefore, it has been classified as a Variant of Uncertain Significance.